The following is an entry in ClinVar:

ClinVar aggregate classification (germline): Uncertain significance (1 of 4 stars; one submission).

Conditions:
Tuberous sclerosis 1 (TSC1). Identifiers: Orphanet 805, MedGen C1854465, MONDO:0008612, OMIM 191100.

Submission:

Labcorp Genetics (formerly Invitae), Labcorp
Classification: Uncertain significance for Tuberous sclerosis 1. Last evaluated: 2023-01-31. Review status: criteria provided, single submitter. Criteria: Invitae Variant Classification Sherloc (09022015). Collection method: clinical testing. Allele origin: germline.
Comment: In summary, the available evidence is currently insufficient to determine the role of this variant in disease. Therefore, it has been classified as a Variant of Uncertain Significance. Advanced modeling of protein sequence and biophysical properties (such as structural, functional, and spatial information, amino acid conservation, physicochemical variation, residue mobility, and thermodynamic stability) performed at Invitae indicates that this missense variant is not expected to disrupt TSC1 protein function. ClinVar contains an entry for this variant (Variation ID: 1466885). This variant has not been reported in the literature in individuals affected with TSC1-related conditions. This variant is not present in population databases (gnomAD no frequency). This sequence change replaces asparagine, which is neutral and polar, with serine, which is neutral and polar, at codon 634 of the TSC1 protein (p.Asn634Ser).

NM_000368.5(TSC1):c.1901A>G (p.Asn634Ser)

Gene: TSC1 (TSC complex subunit 1; minus strand). Cytogenetic location: 9q34.13.
Variant type: single nucleotide variant.
Coding change: c.1901A>G on transcript NM_000368.5 (MANE Select); coding-DNA position 1901, A replaced by G.
Protein change: p.Asn634Ser; replaces asparagine 634 with serine.
Molecular consequence: missense variant.
Genome position (GRCh38, 1-based): chr9:132,905,677, T>C on the plus strand (A>G on the coding strand, the complement: TSC1 is on the minus strand). VCF-style: chr9-132905677-T-C. GRCh37 (hg19) VCF-style: chr9-135781064-T-C.
Other names: c.1898A>G, p.Asn633Ser (NM_001162426.2); c.1748A>G, p.Asn583Ser (NM_001162427.2); c.1538A>G, p.Asn513Ser (NM_001362177.2); short protein forms N583S, N634S, N513S, N633S.
Identifiers: ClinVar variation 1466885 (VCV001466885.8), dbSNP rs2131814737, ClinGen allele CA375362805.